The following is an entry in ClinVar:

ClinVar aggregate classification (germline): Likely pathogenic (1 of 4 stars; one submission).

Conditions:
Cardiovascular phenotype. Identifiers: MedGen CN230736.

Submission:

Molecular Diagnostic Laboratory for Inherited Cardiovascular Disease, Montreal Heart Institute
Classification: Likely pathogenic for Cardiovascular phenotype. Last evaluated: 2024-07-08. Review status: criteria provided, single submitter. Criteria: ACMG Guidelines, 2015. Collection method: clinical testing. Allele origin: germline. Affected: yes.
Comment: PVS1, PM2

NM_020778.5:c.(304+1_305-1)_(422+1_423-1)del

Gene: ALPK3 (alpha kinase 3; plus strand).
Variant type: Deletion.
Other names: c.(304+1_305-1)_(422+1_423-1)del (NM_020778.5).
Identifiers: ClinVar variation 3895333 (VCV003895333.1).